The following is an entry in ClinVar:

ClinVar aggregate classification (germline): Benign. Review status: criteria provided, multiple submitters, no conflicts (2 of 4 stars). 2 submissions from 2 submitters: Benign (2). Last evaluated 2022-10-01.

Conditions:
Neuroblastoma (NB). Identifiers: Orphanet 635, MedGen C0027819, MeSH D009447, MONDO:0005072, HP:0003006.

Allele frequency attached by ClinVar (database versions not stated): 1000 Genomes Project 0.00100; 1000 Genomes Project 30x 0.00109; gnomAD 0.00133 and 0.00139; TOPMed 0.00140; gnomAD exomes 0.00186.
gnomAD v4.1: 295 of 198,448 alleles (0.15%); highest among the groups gnomAD compares: Non-Finnish European, 0.2%; 1 homozygote.

Submissions (2):

CeGaT Center for Human Genetics Tuebingen
Classification: Benign. Last evaluated: 2022-10-01. Review status: criteria provided, single submitter. Criteria: CeGaT Center For Human Genetics Tuebingen Variant Classification Criteria Version 2. Collection method: clinical testing. Allele origin: germline. Affected: yes. Observed: 2 variant alleles.
Comment: KIF1B: BS1, BS2

Illumina Laboratory Services, Illumina
Classification: Benign for Neuroblastoma. Last evaluated: 2018-01-13. Review status: criteria provided, single submitter. Criteria: ICSL Variant Classification Criteria 13 December 2019. Collection method: clinical testing. Allele origin: germline.
Comment: This variant was observed in the ICSL laboratory as part of a predisposition screen in an ostensibly healthy population. It had not been previously curated by ICSL or reported in the Human Gene Mutation Database (HGMD: prior to June 1st, 2018), and was therefore a candidate for classification through an automated scoring system. Utilizing variant allele frequency, disease prevalence and penetrance estimates, and inheritance mode, an automated score was calculated to assess if this variant is too frequent to cause the disease. Based on the score and internal cut-off values, a variant classified as benign is not then subjected to further curation. The score for this variant resulted in a classification of benign for this disease.

NM_001365951.3(KIF1B):c.*4958G>A

Gene: KIF1B (kinesin family member 1B; plus strand). Cytogenetic location: 1p36.22.
Variant type: single nucleotide variant.
Coding change: c.*4958G>A on transcript NM_001365951.3 (MANE Select); 4958 bases downstream of the stop codon, G replaced by A.
Molecular consequence: 3 prime UTR variant.
Genome position (GRCh38, 1-based): chr1:10,381,545, G>A. VCF-style: chr1-10381545-G-A. GRCh37 (hg19) VCF-style: chr1-10441603-G-A.
Other names: c.*4958G>A (NM_001365952.1, NM_015074.3).
Identifiers: ClinVar variation 291670 (VCV000291670.29), dbSNP rs150497684, ClinGen allele CA10607377.